The following is an entry in ClinVar:

ClinVar aggregate classification (germline): Uncertain significance (1 of 4 stars; one submission).

Submission:

Labcorp Genetics (formerly Invitae), Labcorp
Classification: Uncertain significance. Last evaluated: 2025-09-10. Review status: criteria provided, single submitter. Criteria: Invitae Variant Classification Sherloc (09022015). Collection method: clinical testing. Allele origin: germline.
Comment: This sequence change replaces alanine, which is neutral and non-polar, with serine, which is neutral and polar, at codon 1899 of the DCHS1 protein (p.Ala1899Ser). This variant is not present in population databases (gnomAD no frequency). This variant has not been reported in the literature in individuals affected with DCHS1-related conditions. Invitae Evidence Modeling of protein sequence and biophysical properties (such as structural, functional, and spatial information, amino acid conservation, physicochemical variation, residue mobility, and thermodynamic stability) indicates that this missense variant is not expected to disrupt DCHS1 protein function with a negative predictive value of 80%. In summary, the available evidence is currently insufficient to determine the role of this variant in disease. Therefore, it has been classified as a Variant of Uncertain Significance.

NM_003737.4(DCHS1):c.5695G>T (p.Ala1899Ser)

Gene: DCHS1 (dachsous cadherin-related 1; minus strand). Cytogenetic location: 11p15.4.
Variant type: single nucleotide variant.
Coding change: c.5695G>T on transcript NM_003737.4 (MANE Select); coding-DNA position 5695, G replaced by T.
Protein change: p.Ala1899Ser; replaces alanine 1899 with serine.
Molecular consequence: missense variant.
Genome position (GRCh38, 1-based): chr11:6,627,344, C>A on the plus strand (G>T on the coding strand, the complement: DCHS1 is on the minus strand). VCF-style: chr11-6627344-C-A. GRCh37 (hg19) VCF-style: chr11-6648575-C-A.
Other names: short protein forms A1899S.
Identifiers: ClinVar variation 4702373 (VCV004702373.1).